The following is an entry in ClinVar:

NM_000143.4(FH):c.95C>T (p.Ala32Val)

Gene: FH (fumarate hydratase; minus strand). Cytogenetic location: 1q43.
Variant type: single nucleotide variant.
Coding change: c.95C>T on transcript NM_000143.4 (MANE Select); coding-DNA position 95, C replaced by T.
Protein change: p.Ala32Val; replaces alanine 32 with valine.
Molecular consequence: missense variant.
Genome position (GRCh38, 1-based): chr1:241,519,628, G>A on the plus strand (C>T on the coding strand, the complement: FH is on the minus strand). VCF-style: chr1-241519628-G-A. GRCh37 (hg19) VCF-style: chr1-241682928-G-A.
Other names: c.95C>T (NM_000143.3); short protein forms A32V.
Identifiers: ClinVar variation 1390656 (VCV001390656.6), dbSNP rs2147926910, ClinGen allele CA345442720.

ClinVar aggregate classification (germline): Uncertain significance. Review status: criteria provided, multiple submitters, no conflicts (2 of 4 stars). 2 submissions from 2 submitters: Uncertain significance (2). Last evaluated 2026-01-18.

Conditions:
Hereditary cancer-predisposing syndrome. Also called: Neoplastic Syndromes, Hereditary; Tumor predisposition; Hereditary neoplastic syndrome; Hereditary Cancer Syndrome. Identifiers: Orphanet 140162, MedGen C0027672, MeSH D009386, MONDO:0015356.

Submissions (2):

Labcorp Genetics (formerly Invitae), Labcorp
Classification: Uncertain significance. Last evaluated: 2026-01-18. Review status: criteria provided, single submitter. Criteria: Invitae Variant Classification Sherloc (09022015). Collection method: clinical testing. Allele origin: germline.
Comment: This sequence change replaces alanine, which is neutral and non-polar, with valine, which is neutral and non-polar, at codon 32 of the FH protein (p.Ala32Val). This variant is not present in population databases (gnomAD no frequency). This variant has not been reported in the literature in individuals affected with FH-related conditions. ClinVar contains an entry for this variant (Variation ID: 1390656). Invitae Evidence Modeling of protein sequence and biophysical properties (such as structural, functional, and spatial information, amino acid conservation, physicochemical variation, residue mobility, and thermodynamic stability) indicates that this missense variant is not expected to disrupt FH protein function with a negative predictive value of 95%. In summary, the available evidence is currently insufficient to determine the role of this variant in disease. Therefore, it has been classified as a Variant of Uncertain Significance.

Ambry Genetics
Classification: Uncertain significance for Hereditary cancer-predisposing syndrome. Last evaluated: 2024-08-21. Review status: criteria provided, single submitter. Criteria: Ambry Variant Classification Scheme 2023. Collection method: clinical testing. Allele origin: germline.
Comment: The p.A32V variant (also known as c.95C>T), located in coding exon 1 of the FH gene, results from a C to T substitution at nucleotide position 95. The alanine at codon 32 is replaced by valine, an amino acid with similar properties. This amino acid position is conserved. In addition, the in silico prediction for this alteration is inconclusive. Based on the available evidence, the clinical significance of this variant remains unclear.